The following is an entry in ClinVar:

NM_000222.3(KIT):c.67+4G>A

Gene: KIT (KIT proto-oncogene, receptor tyrosine kinase; plus strand). Cytogenetic location: 4q12.
Variant type: single nucleotide variant.
Coding change: c.67+4G>A on transcript NM_000222.3 (MANE Select); 4 bases into the intron after coding-DNA position 67, G replaced by A.
Molecular consequence: intron variant.
Genome position (GRCh38, 1-based): chr4:54,658,085, G>A. VCF-style: chr4-54658085-G-A. GRCh37 (hg19) VCF-style: chr4-55524252-G-A.
Other names: p.?; c.67+4G>A (NM_001385284.1, NM_001385290.1, NM_001385288.1 and 4 more transcripts).
Identifiers: ClinVar variation 221041 (VCV000221041.57), dbSNP rs72550820, ClinGen allele CA349841.

ClinVar aggregate classification (germline): Benign/Likely benign. Review status: criteria provided, multiple submitters, no conflicts (2 of 4 stars). 16 submissions from 16 submitters: Benign (10); Likely benign (4). 2 of the submissions do not count toward it. Last evaluated 2026-09-01.

Conditions:
Hereditary cancer-predisposing syndrome. Also called: Neoplastic Syndromes, Hereditary; Tumor predisposition; Hereditary Cancer Syndrome; Hereditary neoplastic syndrome. Identifiers: Orphanet 140162, MedGen C0027672, MeSH D009386, MONDO:0015356.
Gastrointestinal stromal tumor. Also called: Gastrointestinal stroma tumor; Gastrointestinal stromal tumor, somatic. Identifiers: Orphanet 44890, MedGen C0238198, MeSH D046152, MONDO:0011719, OMIM 606764, HP:0100723.
Piebaldism. Also called: Piebald skin depigmentation. Identifiers: Orphanet 2884, MedGen C0080024, MONDO:0008244, OMIM 172800, HP:0007544.

Allele frequency attached by ClinVar (database versions not stated): 1000 Genomes Project 30x 0.00921; 1000 Genomes Project 0.00938; TOPMed 0.00958; gnomAD 0.00969 and 0.01022; gnomAD exomes 0.01155 and 0.01417; ExAC 0.01239; ESP Exome Variant Server 0.01284.
gnomAD v4.1: 22,198 of 1,613,756 alleles (1.4%); highest among the groups gnomAD compares: South Asian, 2.2%; 196 homozygotes.

Submissions (16):

CeGaT Center for Human Genetics Tuebingen
Classification: Benign. Last evaluated: 2026-09-01. Review status: criteria provided, single submitter. Criteria: CeGaT Center For Human Genetics Tuebingen Variant Classification Criteria Version 2. Collection method: clinical testing. Allele origin: germline. Affected: yes. Observed: 180 variant alleles.
Comment: KIT: BP4, BS1, BS2

Myriad Genetics, Inc.
Classification: Benign for Gastrointestinal stromal tumor. Last evaluated: 2026-06-02. Review status: criteria provided, single submitter. Criteria: Myriad Autosomal Dominant, Autosomal Recessive and X-Linked Classification Criteria (2023). Collection method: clinical testing. Allele origin: unknown.
Comment: This variant is considered benign. This variant is intronic and is not expected to impact mRNA splicing. This variant has been observed at a population frequency that is significantly greater than expected given the associated disease prevalence and penetrance.

Labcorp Genetics (formerly Invitae), Labcorp
Classification: Benign for Gastrointestinal stromal tumor. Last evaluated: 2026-02-04. Review status: criteria provided, single submitter. Criteria: Invitae Variant Classification Sherloc (09022015). Collection method: clinical testing. Allele origin: germline.

Mayo Clinic Laboratories, Mayo Clinic
Classification: Likely benign. Last evaluated: 2025-09-03. Review status: criteria provided, single submitter. Criteria: ACMG Guidelines, 2015. Collection method: clinical testing. Allele origin: germline. Observed: 10 variant alleles.
Comment: BS1, BP4, BP7

ARUP Laboratories, Molecular Genetics and Genomics, ARUP Laboratories
Classification: Benign. Last evaluated: 2025-07-30. Review status: criteria provided, single submitter. Criteria: ARUP Molecular Germline Variant Investigation Process 2024. Collection method: clinical testing. Allele origin: germline.

Blueprint Genetics
Classification: Likely benign. Last evaluated: 2024-11-26. Review status: criteria provided, single submitter. Criteria: ACMG Guidelines, 2015. Collection method: clinical testing. Allele origin: germline.

KCCC/NGS Laboratory, Kuwait Cancer Control Center
Classification: Benign for Gastrointestinal stromal tumor. Last evaluated: 2023-07-07. Review status: criteria provided, single submitter. Criteria: ACMG Guidelines, 2015. Collection method: clinical testing. Allele origin: germline. Affected: yes.

GeneDx
Classification: Benign. Last evaluated: 2020-08-20. Review status: criteria provided, single submitter. Criteria: GeneDx Variant Classification Process June 2021. Collection method: clinical testing. Allele origin: germline. Affected: yes.
Comment: This variant is associated with the following publications: (PMID: 23020152, 27535533, 7529964, 15901127, 22264755)

Sema4
Classification: Benign for Hereditary cancer-predisposing syndrome. Last evaluated: 2020-02-24. Review status: criteria provided, single submitter. Criteria: Sema4 Curation Guidelines. Collection method: curation. Allele origin: germline.

Ambry Genetics
Classification: Benign for Hereditary cancer-predisposing syndrome. Last evaluated: 2018-09-26. Review status: criteria provided, single submitter. Criteria: Ambry Variant Classification Scheme 2023. Collection method: clinical testing. Allele origin: germline.

Illumina Laboratory Services, Illumina
Classification: Likely benign for Piebaldism. Last evaluated: 2017-04-27. Review status: criteria provided, single submitter. Criteria: ICSL Variant Classification Criteria 13 December 2019. Collection method: clinical testing. Allele origin: germline.
Comment: This variant was observed as part of a predisposition screen in an ostensibly healthy population. A literature search was performed for the gene, cDNA change, and amino acid change (where applicable). Publications were found based on this search. The evidence from the literature, in combination with allele frequency data from public databases where available, was sufficient to determine this variant is unlikely to cause disease. Therefore, this variant is classified as likely benign.

Breakthrough Genomics
Classification: Likely benign. Review status: criteria provided, single submitter. Criteria: ACMG Guidelines, 2015. Collection method: not provided. Allele origin: germline. Inheritance: Autosomal dominant inheritance. Affected: yes.

Broad Center for Mendelian Genomics, Broad Institute of MIT and Harvard
Classification: Benign for Piebaldism. Review status: criteria provided, single submitter. Criteria: ACMG Guidelines, 2015. Collection method: research. Allele origin: germline. Inheritance: Autosomal dominant inheritance. Affected: yes.
Comment: The heterozygous c.67+4G>A variant in KIT has been reported in an individual with piebaldism (PMID: 7529964) but has also been reported in >2% of South Asian chromosomes and 15 homozygotes by ExAC. In summary, this variant meets criteria to be classified as benign for autosomal dominant piebaldism.

PreventionGenetics, part of Exact Sciences
Classification: Benign. Review status: criteria provided, single submitter. Criteria: ACMG Guidelines, 2015. Collection method: clinical testing. Allele origin: germline.

Genome Diagnostics Laboratory, Amsterdam University Medical Center
Classification: Benign. Review status: no assertion criteria provided. Collection method: clinical testing. Allele origin: germline. Affected: yes. Study: VKGL Data-share Consensus. Not counted in ClinVar's aggregate classification.

Laboratory of Diagnostic Genome Analysis, Leiden University Medical Center (LUMC)
Classification: Benign. Review status: no assertion criteria provided. Collection method: clinical testing. Allele origin: germline. Affected: yes. Study: VKGL Data-share Consensus. Not counted in ClinVar's aggregate classification.

Literature cited by the submitters: PubMed 22264755 (cited by Mayo Clinic Laboratories, Mayo Clinic); PubMed 27535533 (cited by Mayo Clinic Laboratories, Mayo Clinic); PubMed 7529964 (cited by Mayo Clinic Laboratories, Mayo Clinic and Illumina Laboratory Services, Illumina).